The following is an entry in ClinVar:

NM_002645.4(PIK3C2A):c.4346T>G (p.Leu1449Trp)

Gene: PIK3C2A (phosphatidylinositol-4-phosphate 3-kinase catalytic subunit type 2 alpha; minus strand). Cytogenetic location: 11p15.1.
Variant type: single nucleotide variant.
Coding change: c.4346T>G on transcript NM_002645.4 (MANE Select); coding-DNA position 4346, T replaced by G.
Protein change: p.Leu1449Trp; replaces leucine 1449 with tryptophan.
Molecular consequence: missense variant.
Genome position (GRCh38, 1-based): chr11:17,094,366, A>C on the plus strand (T>G on the coding strand, the complement: PIK3C2A is on the minus strand). VCF-style: chr11-17094366-A-C. GRCh37 (hg19) VCF-style: chr11-17115913-A-C.
Other names: c.4346T>G, p.Leu1449Trp (NM_001321378.2); c.3206T>G, p.Leu1069Trp (NM_001321380.2); c.4178T>G, p.Leu1393Trp (NM_001386870.1); short protein forms L1393W, L1449W, L1069W.
Identifiers: ClinVar variation 1972697 (VCV001972697.5), dbSNP rs2493943987, ClinGen allele CA379757925.

ClinVar aggregate classification (germline): Uncertain significance (1 of 4 stars; one submission).

Submission:

Labcorp Genetics (formerly Invitae), Labcorp
Classification: Uncertain significance. Last evaluated: 2025-07-07. Review status: criteria provided, single submitter. Criteria: Invitae Variant Classification Sherloc (09022015). Collection method: clinical testing. Allele origin: germline.
Comment: This sequence change replaces leucine, which is neutral and non-polar, with tryptophan, which is neutral and slightly polar, at codon 1449 of the PIK3C2A protein (p.Leu1449Trp). This variant is not present in population databases (gnomAD no frequency). This variant has not been reported in the literature in individuals affected with PIK3C2A-related conditions. ClinVar contains an entry for this variant (Variation ID: 1972697). An algorithm developed to predict the effect of missense changes on protein structure and function (PolyPhen-2) suggests that this variant is likely to be disruptive. In summary, the available evidence is currently insufficient to determine the role of this variant in disease. Therefore, it has been classified as a Variant of Uncertain Significance.